The following is an entry in ClinVar:

ClinVar aggregate classification (germline): Uncertain significance (1 of 4 stars; one submission).

Conditions:
Anauxetic dysplasia. Identifiers: Orphanet 93347, MedGen C1846796, MONDO:0011773.

Submission:

Labcorp Genetics (formerly Invitae), Labcorp
Classification: Uncertain significance for Anauxetic dysplasia. Last evaluated: 2025-08-21. Review status: criteria provided, single submitter. Criteria: Invitae Variant Classification Sherloc (09022015). Collection method: clinical testing. Allele origin: germline.
Comment: This variant occurs in the RMRP gene, which encodes an RNA molecule that does not result in a protein product. This variant is not present in population databases (gnomAD no frequency). This variant has not been reported in the literature in individuals affected with RMRP-related conditions. ClinVar contains an entry for this variant (Variation ID: 1464969). Experimental studies and prediction algorithms are not available or were not evaluated, and the functional significance of this variant is currently unknown. In summary, the available evidence is currently insufficient to determine the role of this variant in disease. Therefore, it has been classified as a Variant of Uncertain Significance.

NC_000009.12:g.35657899_35657900insA

Gene: RMRP (RNA component of mitochondrial RNA processing endoribonuclease; minus strand). Cytogenetic location: 9p13.3.
Variant type: Insertion.
Genome position: GRCh38 VCF-style: chr9-35657899-G-GA. GRCh37 (hg19) VCF-style: chr9-35657896-G-GA.
Identifiers: ClinVar variation 1464969 (VCV001464969.6), dbSNP rs2131808600, ClinGen allele CA2573144616.